The following is an entry in ClinVar:

NM_000744.7(CHRNA4):c.384-117A>G

Gene: CHRNA4 (cholinergic receptor nicotinic alpha 4 subunit; minus strand). Cytogenetic location: 20q13.33.
Variant type: single nucleotide variant.
Coding change: c.384-117A>G on transcript NM_000744.7 (MANE Select); 117 bases into the intron before coding-DNA position 384, A replaced by G.
Molecular consequence: intron variant.
Genome position (GRCh38, 1-based): chr20:63,351,144, T>C on the plus strand (A>G on the coding strand, the complement: CHRNA4 is on the minus strand). VCF-style: chr20-63351144-T-C. GRCh37 (hg19) VCF-style: chr20-61982496-T-C.
Other names: c.-145-117A>G (NM_001256573.2).
Identifiers: ClinVar variation 674745 (VCV000674745.2), dbSNP rs13041103, ClinGen allele CA14824377.

ClinVar aggregate classification (germline): Benign. Review status: criteria provided, multiple submitters, no conflicts (2 of 4 stars). 2 submissions from 2 submitters: Benign (2). Last evaluated 2018-06-14.

Allele frequency attached by ClinVar (database versions not stated): 1000 Genomes Project 0.62360; gnomAD 0.76965.

Submissions (2):

GeneDx
Classification: Benign. Last evaluated: 2018-06-14. Review status: criteria provided, single submitter. Criteria: GeneDx Variant Classification (06012015). Collection method: clinical testing. Allele origin: germline. Affected: yes.
Comment: This variant is considered likely benign or benign based on one or more of the following criteria: it is a conservative change, it occurs at a poorly conserved position in the protein, it is predicted to be benign by multiple in silico algorithms, and/or has population frequency not consistent with disease.

Breakthrough Genomics
Classification: Benign. Review status: criteria provided, single submitter. Criteria: ACMG Guidelines, 2015. Collection method: not provided. Allele origin: germline. Inheritance: Autosomal dominant inheritance. Affected: yes.